The following is an entry in ClinVar:

NM_194302.4(CFAP65):c.3701A>G (p.Asp1234Gly)

Genes: CFAP65 (cilia and flagella associated protein 65; minus strand), CFAP65-AS1 (CFAP65 antisense RNA 1; plus strand). Cytogenetic location: 2q35.
Variant type: single nucleotide variant.
Coding change: c.3701A>G on transcript NM_194302.4 (MANE Select); coding-DNA position 3701, A replaced by G.
Protein change: p.Asp1234Gly; replaces aspartic acid 1234 with glycine.
Molecular consequence: missense variant. On other transcripts: non-coding transcript variant (1).
Genome position (GRCh38, 1-based): chr2:219,013,946, T>C on the plus strand (A>G on the coding strand, the complement: CFAP65 is on the minus strand). VCF-style: chr2-219013946-T-C. GRCh37 (hg19) VCF-style: chr2-219878668-T-C.
Other names: short protein forms D1234G.
Identifiers: ClinVar variation 2651905 (VCV002651905.24), dbSNP rs148224341, ClinGen allele CA2115209.

ClinVar aggregate classification (germline): Likely benign (1 of 4 stars; one submission).

Allele frequency attached by ClinVar (database versions not stated): 1000 Genomes Project 30x 0.00172; 1000 Genomes Project 0.00200; TOPMed 0.00232; gnomAD 0.00326; ESP Exome Variant Server 0.00331; gnomAD exomes 0.00431; ExAC 0.00479.
gnomAD v4.1: 6,706 of 1,613,880 alleles (0.42%); highest among the groups gnomAD compares: Non-Finnish European, 0.46%; 35 homozygotes.

Submission:

CeGaT Center for Human Genetics Tuebingen
Classification: Likely benign. Last evaluated: 2022-04-01. Review status: criteria provided, single submitter. Criteria: CeGaT Center For Human Genetics Tuebingen Variant Classification Criteria Version 2. Collection method: clinical testing. Allele origin: germline. Affected: yes. Observed: 1 variant allele.
Comment: CFAP65: BS1:Supporting